The following is an entry in ClinVar:

ClinVar aggregate classification (germline): Uncertain significance (1 of 4 stars; one submission).

Allele frequency attached by ClinVar (database versions not stated): gnomAD exomes below 0.00001.
gnomAD v4.1: 1 of 1,565,742 alleles (0.000064%); no homozygotes.

Submission:

Labcorp Genetics (formerly Invitae), Labcorp
Classification: Uncertain significance. Last evaluated: 2023-08-28. Review status: criteria provided, single submitter. Criteria: Invitae Variant Classification Sherloc (09022015). Collection method: clinical testing. Allele origin: germline.
Comment: This variant is not present in population databases (gnomAD no frequency). This sequence change replaces glutamic acid, which is acidic and polar, with lysine, which is basic and polar, at codon 716 of the SLC24A1 protein (p.Glu716Lys). This variant has not been reported in the literature in individuals affected with SLC24A1-related conditions. In summary, the available evidence is currently insufficient to determine the role of this variant in disease. Therefore, it has been classified as a Variant of Uncertain Significance. An algorithm developed to predict the effect of missense changes on protein structure and function (PolyPhen-2) suggests that this variant is likely to be tolerated. ClinVar contains an entry for this variant (Variation ID: 1370111).

NM_004727.3(SLC24A1):c.2146G>A (p.Glu716Lys)

Gene: SLC24A1 (solute carrier family 24 member 1; plus strand). Cytogenetic location: 15q22.31.
Variant type: single nucleotide variant.
Coding change: c.2146G>A on transcript NM_004727.3 (MANE Select); coding-DNA position 2146, G replaced by A.
Protein change: p.Glu716Lys; replaces glutamic acid 716 with lysine.
Molecular consequence: missense variant.
Genome position (GRCh38, 1-based): chr15:65,645,617, G>A. VCF-style: chr15-65645617-G-A. GRCh37 (hg19) VCF-style: chr15-65937955-G-A.
Other names: c.127G>A, p.Glu43Lys (NM_001254740.2); c.2146G>A, p.Glu716Lys (NM_001301031.1); c.2092G>A, p.Glu698Lys (NM_001301032.1, NM_001301033.2); short protein forms E43K, E698K, E716K.
Identifiers: ClinVar variation 1370111 (VCV001370111.8), dbSNP rs2141658848, ClinGen allele CA392897579.